The following is an entry in ClinVar:

ClinVar aggregate classification (germline): Uncertain significance. Review status: criteria provided, multiple submitters, no conflicts (2 of 4 stars). 2 submissions from 2 submitters: Uncertain significance (2). Last evaluated 2024-10-17.

Conditions:
Spermatogenic failure 18. Identifiers: MedGen C4539783, MONDO:0054615, OMIM 617576.
Ciliary dyskinesia, primary, 37 (CILD37). Also called: CILIARY DYSKINESIA, PRIMARY, 37, WITH OR WITHOUT SITUS INVERSUS. Identifiers: MedGen C4539798, MONDO:0033204, OMIM 617577.

Allele frequency attached by ClinVar (database versions not stated): ExAC 0.00001; gnomAD 0.00001; gnomAD exomes 0.00002.
gnomAD v4.1: 12 of 1,612,816 alleles (0.00074%); highest among the groups gnomAD compares: Admixed American, 0.0084%; no homozygotes.

Submissions (2):

Ambry Genetics
Classification: Uncertain significance. Last evaluated: 2024-10-17. Review status: criteria provided, single submitter. Criteria: Ambry Variant Classification Scheme 2023. Collection method: clinical testing. Allele origin: germline.

Labcorp Genetics (formerly Invitae), Labcorp
Classification: Uncertain significance for Ciliary dyskinesia, primary, 37; Spermatogenic failure 18. Last evaluated: 2024-05-26. Review status: criteria provided, single submitter. Criteria: Invitae Variant Classification Sherloc (09022015). Collection method: clinical testing. Allele origin: germline.
Comment: This sequence change replaces tyrosine, which is neutral and polar, with cysteine, which is neutral and slightly polar, at codon 2801 of the DNAH1 protein (p.Tyr2801Cys). This variant is present in population databases (rs367709805, gnomAD 0.009%). This variant has not been reported in the literature in individuals affected with DNAH1-related conditions. ClinVar contains an entry for this variant (Variation ID: 1398929). Advanced modeling of protein sequence and biophysical properties (such as structural, functional, and spatial information, amino acid conservation, physicochemical variation, residue mobility, and thermodynamic stability) performed at Invitae indicates that this missense variant is not expected to disrupt DNAH1 protein function with a negative predictive value of 80%. In summary, the available evidence is currently insufficient to determine the role of this variant in disease. Therefore, it has been classified as a Variant of Uncertain Significance.

NM_015512.5(DNAH1):c.8402A>G (p.Tyr2801Cys)

Gene: DNAH1 (dynein axonemal heavy chain 1; plus strand). Cytogenetic location: 3p21.1.
Variant type: single nucleotide variant.
Coding change: c.8402A>G on transcript NM_015512.5 (MANE Select); coding-DNA position 8402, A replaced by G.
Protein change: p.Tyr2801Cys; replaces tyrosine 2801 with cysteine.
Molecular consequence: missense variant.
Genome position (GRCh38, 1-based): chr3:52,384,865, A>G. VCF-style: chr3-52384865-A-G. GRCh37 (hg19) VCF-style: chr3-52418881-A-G.
Other names: c.8402A>G (NM_015512.4); short protein forms Y2801C.
Identifiers: ClinVar variation 1398929 (VCV001398929.9), dbSNP rs367709805, ClinGen allele CA2435201.